The following is an entry in ClinVar:

NM_004999.4(MYO6):c.103A>T (p.Asn35Tyr)

Gene: MYO6 (myosin VI; plus strand). Cytogenetic location: 6q14.1.
Variant type: single nucleotide variant.
Coding change: c.103A>T on transcript NM_004999.4 (MANE Select); coding-DNA position 103, A replaced by T.
Protein change: p.Asn35Tyr; replaces asparagine 35 with tyrosine.
Molecular consequence: missense variant. On other transcripts: non-coding transcript variant (2).
Genome position (GRCh38, 1-based): chr6:75,817,650, A>T. VCF-style: chr6-75817650-A-T. GRCh37 (hg19) VCF-style: chr6-76527367-A-T.
Other names: c.103A>T, p.Asn35Tyr (NM_001300899.2, NM_001368136.1, NM_001368137.1 and 5 more transcripts); short protein forms N35Y.
Identifiers: ClinVar variation 2274662 (VCV002274662.4), dbSNP rs375031921, ClinGen allele CA3896718.

ClinVar aggregate classification (germline): Uncertain significance. Review status: criteria provided, multiple submitters, no conflicts (2 of 4 stars). 2 submissions from 2 submitters: Uncertain significance (2). Last evaluated 2024-06-29.

Conditions:
Inborn genetic diseases. Identifiers: MedGen C0950123, MeSH D030342.

Allele frequency attached by ClinVar (database versions not stated): ExAC 0.00002; TOPMed 0.00002; ESP Exome Variant Server 0.00008.
gnomAD v4.1: 27 of 1,613,782 alleles (0.0017%); highest among the groups gnomAD compares: Non-Finnish European, 0.0022%; no homozygotes.

Submissions (2):

Labcorp Genetics (formerly Invitae), Labcorp
Classification: Uncertain significance. Last evaluated: 2024-06-29. Review status: criteria provided, single submitter. Criteria: Invitae Variant Classification Sherloc (09022015). Collection method: clinical testing. Allele origin: germline.
Comment: This sequence change replaces asparagine, which is neutral and polar, with tyrosine, which is neutral and polar, at codon 35 of the MYO6 protein (p.Asn35Tyr). This variant is present in population databases (rs375031921, gnomAD 0.003%). This variant has not been reported in the literature in individuals affected with MYO6-related conditions. ClinVar contains an entry for this variant (Variation ID: 2274662). Advanced modeling of protein sequence and biophysical properties (such as structural, functional, and spatial information, amino acid conservation, physicochemical variation, residue mobility, and thermodynamic stability) performed at Invitae indicates that this missense variant is not expected to disrupt MYO6 protein function with a negative predictive value of 80%. In summary, the available evidence is currently insufficient to determine the role of this variant in disease. Therefore, it has been classified as a Variant of Uncertain Significance.

Ambry Genetics
Classification: Uncertain significance for Inborn genetic diseases. Last evaluated: 2022-01-31. Review status: criteria provided, single submitter. Criteria: Ambry Variant Classification Scheme 2023. Collection method: clinical testing. Allele origin: germline.